The following is an entry in ClinVar:

NM_000094.4(COL7A1):c.6188G>A (p.Arg2063Gln)

Gene: COL7A1 (collagen type VII alpha 1 chain; minus strand). Cytogenetic location: 3p21.31.
Variant type: single nucleotide variant.
Coding change: c.6188G>A on transcript NM_000094.4 (MANE Select); coding-DNA position 6188, G replaced by A.
Protein change: p.Arg2063Gln; replaces arginine 2063 with glutamine.
Molecular consequence: missense variant.
Genome position (GRCh38, 1-based): chr3:48,575,235, C>T on the plus strand (G>A on the coding strand, the complement: COL7A1 is on the minus strand). VCF-style: chr3-48575235-C-T. GRCh37 (hg19) VCF-style: chr3-48612668-C-T.
Other names: short protein forms R2063Q.
Identifiers: ClinVar variation 759407 (VCV000759407.12), dbSNP rs2229825, ClinGen allele CA2379163.
Genomic context (GRCh38, chr3:48,575,235, plus strand): 5'-CAGCCTGCCCCACGAAGCCCATCGCAGCCCACCTGTTCTCCACGTTCTCCTTTCTCTCCC[C>T]GTTCTCCCTGAAATGCAAATAGCGGGTGAGGGCCAAGCCCATGGGGGGTCCCACCCCTCC-3'
Protein context (NP_000085.1, residues 2053-2073): EAGRPGERGE[Arg2063Gln]GEKGERGEQG

ClinVar aggregate classification (germline): Conflicting classifications of pathogenicity. Review status: criteria provided, conflicting classifications (1 of 4 stars). 3 submissions from 3 submitters: Uncertain significance (1); Likely benign (1). 1 of the submissions does not count toward it. Last evaluated 2026-05-21.

Conditions:
Recessive dystrophic epidermolysis bullosa (RDEB). Also called: Epidermolysis Bullosa Distrophica Autosomal Recessive (RDEB); EPIDERMOLYSIS BULLOSA DYSTROPHICA, GENERALIZED SEVERE, AUTOSOMAL RECESSIVE; Hallopeau-Siemens Disease; severe generalized recessive dystrophic epidermolysis bullosa; DYSTROPHIC EPIDERMOLYSIS BULLOSA, AUTOSOMAL RECESSIVE; EPIDERMOLYSIS BULLOSA DYSTROPHICA, HALLOPEAU-SIEMENS TYPE. Identifiers: Orphanet 79408, Orphanet 79409, MedGen C0079474, MONDO:0009179, OMIM 226600.
Epidermolysis bullosa dystrophica inversa, autosomal recessive. Identifiers: MedGen C2673612.

Allele frequency attached by ClinVar (database versions not stated): TOPMed 0.00002; gnomAD 0.00003 and 0.00016; gnomAD exomes 0.00027; ExAC 0.00035; 1000 Genomes Project 30x 0.00141; 1000 Genomes Project 0.00160.
gnomAD v4.1: 235 of 1,614,038 alleles (0.015%); highest among the groups gnomAD compares: South Asian, 0.22%; 2 homozygotes.

Submissions (3):

Myriad Genetics, Inc.
Classification: Uncertain significance for Recessive dystrophic epidermolysis bullosa. Last evaluated: 2026-05-21. Review status: criteria provided, single submitter. Criteria: Myriad Autosomal Dominant, Autosomal Recessive and X-Linked Classification Criteria (2023). Collection method: clinical testing. Allele origin: unknown.
Comment: NM_000094.3(COL7A1):c.6188G>A(R2063Q) is a missense variant classified as a variant of uncertain significance in the context of dystrophic epidermolysis bullosa. R2063Q has been observed in a case with relevant disease (PMID: 26102279). Relevant functional assessments of this variant are not available in the literature. R2063Q has been observed in referenced population frequency databases. In summary, there is insufficient evidence to classify NM_000094.3(COL7A1):c.6188G>A(R2063Q) as pathogenic or benign. Please note: this variant was assessed in the context of healthy population screening.

Labcorp Genetics (formerly Invitae), Labcorp
Classification: Likely benign. Last evaluated: 2026-01-25. Review status: criteria provided, single submitter. Criteria: Invitae Variant Classification Sherloc (09022015). Collection method: clinical testing. Allele origin: germline.

Natera, Inc.
Classification: Likely benign for Autosomal recessive epidermolysis bullosa dystrophica inversa. Last evaluated: 2020-09-16. Review status: no assertion criteria provided. Collection method: clinical testing. Allele origin: germline. Not counted in ClinVar's aggregate classification.

Literature cited by the submitters: PubMed 26102279 (cited by Myriad Genetics, Inc.).